The following is an entry in ClinVar:

NM_022489.4(INF2):c.2138+4A>G

Gene: INF2 (inverted formin 2; plus strand). Cytogenetic location: 14q32.33.
Variant type: single nucleotide variant.
Coding change: c.2138+4A>G on transcript NM_022489.4 (MANE Select); 4 bases into the intron after coding-DNA position 2138, A replaced by G.
Molecular consequence: intron variant.
Genome position (GRCh38, 1-based): chr14:104,709,709, A>G. VCF-style: chr14-104709709-A-G. GRCh37 (hg19) VCF-style: chr14-105176046-A-G.
Other names: c.2138+4A>G (NM_001031714.4).
Identifiers: ClinVar variation 2931594 (VCV002931594.3), dbSNP rs2541931516, ClinGen allele CA2575639550.

ClinVar aggregate classification (germline): Uncertain significance (1 of 4 stars; one submission).

Conditions:
Focal segmental glomerulosclerosis 5 (FSGS5). Identifiers: Orphanet 656, MedGen C2750475, MONDO:0013191, OMIM 613237.
Charcot-Marie-Tooth disease dominant intermediate E. Also called: CHARCOT-MARIE-TOOTH NEUROPATHY WITH FOCAL SEGMENTAL GLOMERULONEPHRITIS. Identifiers: Orphanet 93114, MedGen C4302667, MONDO:0013758, OMIM 614455.

Submission:

Labcorp Genetics (formerly Invitae), Labcorp
Classification: Uncertain significance for Charcot-Marie-Tooth disease dominant intermediate E; Focal segmental glomerulosclerosis 5. Last evaluated: 2024-05-13. Review status: criteria provided, single submitter. Criteria: Invitae Variant Classification Sherloc (09022015). Collection method: clinical testing. Allele origin: germline.
Comment: This sequence change falls in intron 12 of the INF2 gene. It does not directly change the encoded amino acid sequence of the INF2 protein. It affects a nucleotide within the consensus splice site. This variant is not present in population databases (gnomAD no frequency). This variant has not been reported in the literature in individuals affected with INF2-related conditions. Variants that disrupt the consensus splice site are a relatively common cause of aberrant splicing (PMID: 17576681, 9536098). Algorithms developed to predict the effect of sequence changes on RNA splicing suggest that this variant may disrupt the consensus splice site. In summary, the available evidence is currently insufficient to determine the role of this variant in disease. Therefore, it has been classified as a Variant of Uncertain Significance.

Literature cited by the submitters: PubMed 17576681; PubMed 9536098.